The following is an entry in ClinVar:

NM_002691.4(POLD1):c.256G>C (p.Ala86Pro)

Gene: POLD1 (DNA polymerase delta 1, catalytic subunit; plus strand). Cytogenetic location: 19q13.33.
Variant type: single nucleotide variant.
Coding change: c.256G>C on transcript NM_002691.4 (MANE Select); coding-DNA position 256, G replaced by C.
Protein change: p.Ala86Pro; replaces alanine 86 with proline.
Molecular consequence: missense variant. On other transcripts: non-coding transcript variant (1).
Genome position (GRCh38, 1-based): chr19:50,399,424, G>C. VCF-style: chr19-50399424-G-C. GRCh37 (hg19) VCF-style: chr19-50902681-G-C.
Other names: c.256G>C, p.Ala86Pro (NM_001256849.1, NM_001308632.1); c.256G>C (NM_002691.2); short protein forms A86P.
Identifiers: ClinVar variation 1433848 (VCV001433848.7), dbSNP rs2122202540, ClinGen allele CA406970487.
Genomic context (GRCh38, chr19:50,399,424, plus strand): 5'-CCACCAGGGCAGGTCCCACCATCAGCCATAGATCCTCGCTGGCTTCGGCCCACACCACCA[G>C]CGCTGGACCCCCAGACAGAGCCCCTCATCTTCCAACAGTTGGAGATTGACCATTATGTGG-3'
Protein context (NP_002682.2, residues 76-96): DPRWLRPTPP[Ala86Pro]LDPQTEPLIF

ClinVar aggregate classification (germline): Conflicting classifications of pathogenicity. Review status: criteria provided, conflicting classifications (1 of 4 stars). 2 submissions from 2 submitters: Uncertain significance (1); Likely benign (1). Last evaluated 2024-04-20.

Conditions:
POLD1-related polyposis and colorectal cancer syndrome (CRCS10). Also called: Colorectal cancer 10; COLORECTAL CANCER, SUSCEPTIBILITY TO, ON CHROMOSOME 19q; Colorectal cancer, susceptibility to, 10. Identifiers: Orphanet 220460, MedGen C2675481, MONDO:0012953, OMIM 612591.
Hereditary cancer-predisposing syndrome. Also called: Neoplastic Syndromes, Hereditary; Tumor predisposition; Hereditary Cancer Syndrome; Hereditary neoplastic syndrome. Identifiers: Orphanet 140162, MedGen C0027672, MeSH D009386, MONDO:0015356.

gnomAD v4.1: 1 of 1,614,180 alleles (0.000062%); no homozygotes.

Submissions (2):

Labcorp Genetics (formerly Invitae), Labcorp
Classification: Uncertain significance for POLD1-related polyposis and colorectal cancer syndrome. Last evaluated: 2024-04-20. Review status: criteria provided, single submitter. Criteria: Invitae Variant Classification Sherloc (09022015). Collection method: clinical testing. Allele origin: germline.
Comment: This sequence change replaces alanine, which is neutral and non-polar, with proline, which is neutral and non-polar, at codon 86 of the POLD1 protein (p.Ala86Pro). This variant is not present in population databases (gnomAD no frequency). This variant has not been reported in the literature in individuals affected with POLD1-related conditions. ClinVar contains an entry for this variant (Variation ID: 1433848). Advanced modeling of protein sequence and biophysical properties (such as structural, functional, and spatial information, amino acid conservation, physicochemical variation, residue mobility, and thermodynamic stability) performed at Invitae indicates that this missense variant is not expected to disrupt POLD1 protein function with a negative predictive value of 80%. In summary, the available evidence is currently insufficient to determine the role of this variant in disease. Therefore, it has been classified as a Variant of Uncertain Significance.

Ambry Genetics
Classification: Likely benign for Hereditary cancer-predisposing syndrome. Last evaluated: 2023-06-24. Review status: criteria provided, single submitter. Criteria: Ambry Variant Classification Scheme 2023. Collection method: clinical testing. Allele origin: germline.